The following is an entry in ClinVar:

NM_000138.5(FBN1):c.1139G>A (p.Arg380Lys)

Genes: FBN1 (fibrillin 1; minus strand), LOC113939944 (Sharpr-MPRA regulatory region 9539; plus strand). Cytogenetic location: 15q21.1.
Variant type: single nucleotide variant.
Coding change: c.1139G>A on transcript NM_000138.5 (MANE Select); coding-DNA position 1139, G replaced by A.
Protein change: p.Arg380Lys; replaces arginine 380 with lysine.
Molecular consequence: missense variant.
Genome position (GRCh38, 1-based): chr15:48,520,667, C>T on the plus strand (G>A on the coding strand, the complement: FBN1 is on the minus strand). VCF-style: chr15-48520667-C-T. GRCh37 (hg19) VCF-style: chr15-48812864-C-T.
Other names: c.1139G>A, p.Arg380Lys (NM_001406716.1); short protein forms R380K.
Identifiers: ClinVar variation 4758451 (VCV004758451.1).
Genomic context (GRCh38, chr15:48,520,667, plus strand): 5'-GCTTGTGAGGGCTGGGATGGGATATTCTGCAGATAACTGGAAGGGCTCTTACCGGTTGCT[C>T]TGATGGGACACATCTCAGGGGCGACAGTGACCCCTGGAGACCAGCATCGGCCGGCATCAC-3'
Protein context (NP_000129.3, residues 370-390): VTVAPEMCPI[Arg380Lys]ATEDFNKLCS

ClinVar aggregate classification (germline): Uncertain significance (1 of 4 stars; one submission).

Conditions:
Familial thoracic aortic aneurysm and aortic dissection (TAAD). Also called: Thoracic aortic aneurysms and dissections. Identifiers: Orphanet 91387, MedGen C4707243, MONDO:0019625.

gnomAD v4.1: 2 of 1,614,092 alleles (0.00012%); highest among the groups gnomAD compares: Admixed American, 0.0033%; no homozygotes.

Submission:

Color Diagnostics, LLC DBA Color Health
Classification: Uncertain significance for Familial thoracic aortic aneurysm and aortic dissection. Last evaluated: 2025-07-08. Review status: criteria provided, single submitter. Criteria: ACMG Guidelines, 2015. Collection method: clinical testing. Allele origin: germline.
Comment: This missense variant replaces arginine with lysine at codon 380 of the FBN1 protein. Computational prediction suggests that this variant may not impact protein structure and function. To our knowledge, functional studies have not been reported for this variant. This variant has not been reported in individuals affected with FBN1-related disorders in the literature. This variant has been identified in 2/251188 chromosomes in the general population by the Genome Aggregation Database (gnomAD). The available evidence is insufficient to determine the role of this variant in disease conclusively. Therefore, this variant is classified as a Variant of Uncertain Significance.